The following is an entry in ClinVar:

NM_000138.5(FBN1):c.5267T>C (p.Val1756Ala)

Gene: FBN1 (fibrillin 1; minus strand). Cytogenetic location: 15q21.1.
Variant type: single nucleotide variant.
Coding change: c.5267T>C on transcript NM_000138.5 (MANE Select); coding-DNA position 5267, T replaced by C.
Protein change: p.Val1756Ala; replaces valine 1756 with alanine.
Molecular consequence: missense variant.
Genome position (GRCh38, 1-based): chr15:48,460,275, A>G on the plus strand (T>C on the coding strand, the complement: FBN1 is on the minus strand). VCF-style: chr15-48460275-A-G. GRCh37 (hg19) VCF-style: chr15-48752472-A-G.
Other names: c.5267T>C, p.Val1756Ala (NM_001406716.1); short protein forms V1756A.
Identifiers: ClinVar variation 2574103 (VCV002574103.1), dbSNP rs2505485513, ClinGen allele CA392348009.

ClinVar aggregate classification (germline): Likely pathogenic (0 of 4 stars; one submission).

Conditions:
Marfan syndrome (MFS). Also called: MARFAN SYNDROME, TYPE I; FBN1-Related Marfan Syndrome; Marfan syndrome type 1; Marfan's syndrome; Marfan syndrome, classic. Identifiers: Orphanet 284963, Orphanet 558, MedGen C0024796, MONDO:0007947, OMIM 154700.

Submission:

deCODE genetics, Amgen
Classification: Likely pathogenic for Marfan syndrome. Last evaluated: 2023-07-21. Review status: no assertion criteria provided. Collection method: research. Allele origin: germline. Affected: yes. Observed: 7 variant alleles.
Comment: The variant NM_000138.5:c.5267T>C (chr15:48460275) in FBN1 was detected in 4 heterozygotes out of 58K WGS Icelanders (MAF= 0,003%). Following imputation in a set of 166K Icelanders (7 imputed heterozygotes) we observed an association with thoracic aortic aneurysm using 517 cases and 287821 controls (OR= 35.87, P= 3.09e-02). This variant has not been reported in ClinVar previously. Based on ACMG criteria (PS4, PM2, PP2, PP3) this variant classifies as likely pathogenic.